The following is an entry in ClinVar:

ClinVar aggregate classification (germline): Uncertain significance (1 of 4 stars; one submission).

gnomAD v4.1: 6 of 1,613,986 alleles (0.00037%); highest among the groups gnomAD compares: Non-Finnish European, 0.00051%; no homozygotes.

Submission:

Labcorp Genetics (formerly Invitae), Labcorp
Classification: Uncertain significance. Last evaluated: 2022-07-12. Review status: criteria provided, single submitter. Criteria: Invitae Variant Classification Sherloc (09022015). Collection method: clinical testing. Allele origin: germline.
Comment: In summary, the available evidence is currently insufficient to determine the role of this variant in disease. Therefore, it has been classified as a Variant of Uncertain Significance. Algorithms developed to predict the effect of missense changes on protein structure and function are either unavailable or do not agree on the potential impact of this missense change (SIFT: "Deleterious"; PolyPhen-2: "Benign"; Align-GVGD: "Class C0"). This variant has not been reported in the literature in individuals affected with ATP6V1B1-related conditions. This variant is not present in population databases (gnomAD no frequency). This sequence change replaces valine, which is neutral and non-polar, with glycine, which is neutral and non-polar, at codon 426 of the ATP6V1B1 protein (p.Val426Gly).

NM_001692.4(ATP6V1B1):c.1277T>G (p.Val426Gly)

Gene: ATP6V1B1 (ATPase H+ transporting V1 subunit B1; plus strand). Cytogenetic location: 2p13.3.
Variant type: single nucleotide variant.
Coding change: c.1277T>G on transcript NM_001692.4 (MANE Select); coding-DNA position 1277, T replaced by G.
Protein change: p.Val426Gly; replaces valine 426 with glycine.
Molecular consequence: missense variant.
Genome position (GRCh38, 1-based): chr2:70,964,764, T>G. VCF-style: chr2-70964764-T-G. GRCh37 (hg19) VCF-style: chr2-71191894-T-G.
Other names: short protein forms V426G.
Identifiers: ClinVar variation 1956709 (VCV001956709.5), dbSNP rs1558680914, ClinGen allele CA347188491.
Genomic context (GRCh38, chr2:70,964,764, plus strand): 5'-CAGCGGCCACCGACGCCTTGCCCCTCCCCCAGTACGCCTGCTATGCCATCGGGAAGGACG[T>G]GCAGGCCATGAAGGCAGTAGTTGGGGAGGAGGCGCTCACCTCTGAGGACCTGCTCTACCT-3'
Protein context (NP_001683.2, residues 416-436): LYACYAIGKD[Val426Gly]QAMKAVVGEE